The following is an entry in ClinVar:

ClinVar aggregate classification (germline): Uncertain significance (1 of 4 stars; one submission).

Conditions:
Congenital myasthenic syndrome 8. Also called: MYASTHENIC SYNDROME, CONGENITAL, DUE TO AGRIN DEFICIENCY; Myasthenic syndrome, congenital, 8, with pre- and postsynaptic defects. Identifiers: Orphanet 590, MedGen C3808739, MONDO:0014052, OMIM 615120.

Allele frequency attached by ClinVar (database versions not stated): ExAC 0.00001; gnomAD 0.00001 and 0.00002; TOPMed 0.00002; 1000 Genomes Project 0.00020; 1000 Genomes Project 30x 0.00031.
gnomAD v4.1: 30 of 1,608,074 alleles (0.0019%); highest among the groups gnomAD compares: East Asian, 0.0089%; no homozygotes.

Submission:

Labcorp Genetics (formerly Invitae), Labcorp
Classification: Uncertain significance for Congenital myasthenic syndrome 8. Last evaluated: 2021-09-01. Review status: criteria provided, single submitter. Criteria: Invitae Variant Classification Sherloc (09022015). Collection method: clinical testing. Allele origin: germline.
Comment: This sequence change replaces valine with isoleucine at codon 1030 of the AGRN protein (p.Val1030Ile). The valine residue is weakly conserved and there is a small physicochemical difference between valine and isoleucine. This variant is present in population databases (rs199933532, ExAC 0.01%). This variant has not been reported in the literature in individuals affected with AGRN-related conditions. Algorithms developed to predict the effect of missense changes on protein structure and function output the following: SIFT: "Tolerated"; PolyPhen-2: "Benign"; Align-GVGD: "Class C0". The isoleucine amino acid residue is found in multiple mammalian species, which suggests that this missense change does not adversely affect protein function. In summary, the available evidence is currently insufficient to determine the role of this variant in disease. Therefore, it has been classified as a Variant of Uncertain Significance.

NM_198576.4(AGRN):c.3088G>A (p.Val1030Ile)

Gene: AGRN (agrin; plus strand). Cytogenetic location: 1p36.33.
Variant type: single nucleotide variant.
Coding change: c.3088G>A on transcript NM_198576.4 (MANE Select); coding-DNA position 3088, G replaced by A.
Protein change: p.Val1030Ile; replaces valine 1030 with isoleucine.
Molecular consequence: missense variant.
Genome position (GRCh38, 1-based): chr1:1,046,573, G>A. VCF-style: chr1-1046573-G-A. GRCh37 (hg19) VCF-style: chr1-981953-G-A.
Other names: c.3088G>A, p.Val1030Ile (NM_001305275.2); c.2773G>A, p.Val925Ile (NM_001364727.2); short protein forms V1030I, V925I.
Identifiers: ClinVar variation 1039321 (VCV001039321.6), dbSNP rs199933532, ClinGen allele CA508947.